The following is an entry in ClinVar:

ClinVar aggregate classification (germline): Pathogenic (1 of 4 stars; one submission).

Submission:

CeGaT Center for Human Genetics Tuebingen
Classification: Pathogenic. Last evaluated: 2025-06-01. Review status: criteria provided, single submitter. Criteria: CeGaT Center For Human Genetics Tuebingen Variant Classification Criteria Version 2. Collection method: clinical testing. Allele origin: germline. Affected: yes. Observed: 1 variant allele.
Comment: LRBA: PVS1, PM2

NM_001364905.1(LRBA):c.5585G>A (p.Trp1862Ter)

Gene: LRBA (LPS responsive beige-like anchor protein; minus strand). Cytogenetic location: 4q31.3.
Variant type: single nucleotide variant.
Coding change: c.5585G>A on transcript NM_001364905.1 (MANE Select); coding-DNA position 5585, G replaced by A.
Protein change: p.Trp1862Ter; replaces tryptophan 1862 with a stop codon.
Molecular consequence: nonsense.
Genome position (GRCh38, 1-based): chr4:150,761,843, C>T on the plus strand (G>A on the coding strand, the complement: LRBA is on the minus strand). VCF-style: chr4-150761843-C-T. GRCh37 (hg19) VCF-style: chr4-151682995-C-T.
Other names: c.5585G>A, p.Trp1862Ter (NM_001199282.3, NM_001367550.1, NM_006726.5); short protein forms W1862*.
Identifiers: ClinVar variation 3906117 (VCV003906117.10).